The following is an entry in ClinVar:

ClinVar aggregate classification (germline): Likely pathogenic. Review status: criteria provided, multiple submitters, no conflicts (2 of 4 stars). 2 submissions from 2 submitters: Likely pathogenic (2). Last evaluated 2025-12-11.

Conditions:
Smith-Lemli-Opitz syndrome (SLOS). Also called: 7-Dehydrocholesterol reductase deficiency; POLYDACTYLY, SEX REVERSAL, RENAL HYPOPLASIA, AND UNILOBAR LUNG; RSH SYNDROME; RUTLEDGE LETHAL MULTIPLE CONGENITAL ANOMALY SYNDROME; LETHAL ACRODYSGENITAL SYNDROME. Identifiers: Orphanet 818, MedGen C0175694, MONDO:0010035, OMIM 270400.
DHCR7-related disorder. Also called: DHCR7-related condition.

Submissions (2):

Natera, Inc.
Classification: Likely pathogenic for Smith-Lemli-Opitz syndrome. Last evaluated: 2025-12-11. Review status: criteria provided, single submitter. Criteria: Natera Variant Classification Schema (03/2026). Collection method: clinical testing. Allele origin: germline.
Comment: The c.364delC variant in DHCR7 is a frameshift variant predicted to shift the reading frame beginning at codon 122 and leads to a stop codon 5 codons downstream. This variant is expected to result in nonsense mediated decay, truncation, or a dysfunctional protein product. This variant is rare in the general population with a frequency below the threshold expected for the associated phenotype(s). Given the available evidence, this variant is classified as Likely Pathogenic.

PreventionGenetics, part of Exact Sciences
Classification: Likely pathogenic for DHCR7-related condition. Last evaluated: 2025-05-14. Review status: criteria provided, single submitter. Criteria: ACMG Guidelines, 2015. Collection method: clinical testing. Allele origin: germline.
Comment: The DHCR7 c.364delC variant is predicted to result in a frameshift and premature protein termination (p.Leu122Tyrfs*5). To our knowledge, this variant has not been reported in the literature or in a large population database (gnomAD), indicating this variant is rare. Frameshift variants in DHCR7 are expected to be pathogenic. This variant is interpreted as likely pathogenic.

NM_001360.3(DHCR7):c.364del (p.Leu122fs)

Gene: DHCR7 (7-dehydrocholesterol reductase; minus strand). Cytogenetic location: 11q13.4.
Variant type: Deletion.
Coding change: c.364del on transcript NM_001360.3 (MANE Select); coding-DNA position 364, one base deleted (C; older notation c.364delC).
Protein change: p.Leu122fs; shifts the reading frame from leucine 122.
Molecular consequence: frameshift variant.
Genome position (GRCh38, 1-based): chr11:71,442,311, G deleted on the plus strand (C on the coding strand, the reverse complement: DHCR7 is on the minus strand). VCF-style (leftmost placement, unchanged base first): chr11-71442310-AG-A. GRCh37 (hg19) VCF-style: chr11-71153356-AG-A.
Other names: c.364del, p.Leu122fs (NM_001163817.2, NM_001425107.1, NM_001425109.1 and 7 more transcripts); c.400del, p.Leu134fs (NM_001425108.1); c.304del, p.Leu102fs (NM_001425113.1); c.268del, p.Leu90fs (NM_001425114.1, NM_001425116.1); c.190del, p.Leu64fs (NM_001425117.1); short protein forms L102fs, L122fs, L134fs, L64fs, L90fs.
Identifiers: ClinVar variation 4814824 (VCV004814824.2).